The following is an entry in ClinVar:

NM_001170535.3(ATAD3A):c.1703A>T (p.Lys568Met)

Gene: ATAD3A (ATPase family AAA domain containing 3A; plus strand). Cytogenetic location: 1p36.33.
Variant type: single nucleotide variant.
Coding change: c.1703A>T on transcript NM_001170535.3 (MANE Select); coding-DNA position 1703, A replaced by T.
Protein change: p.Lys568Met; replaces lysine 568 with methionine.
Molecular consequence: missense variant.
Genome position (GRCh38, 1-based): chr1:1,534,014, A>T. VCF-style: chr1-1534014-A-T. GRCh37 (hg19) VCF-style: chr1-1469394-A-T.
Other names: c.1466A>T, p.Lys489Met (NM_001170536.3); c.1847A>T, p.Lys616Met (NM_018188.5); c.1847A>T (NM_018188.3); short protein forms K489M, K568M, K616M.
Identifiers: ClinVar variation 1334941 (VCV001334941.39), dbSNP rs41285840, ClinGen allele CA526554.

ClinVar aggregate classification (germline): Conflicting classifications of pathogenicity. Review status: criteria provided, conflicting classifications (1 of 4 stars). 6 submissions from 5 submitters: Uncertain significance (2); Likely benign (4). Last evaluated 2026-07-01.

Conditions:
Inborn genetic diseases. Identifiers: MedGen C0950123, MeSH D030342.
Disorder of development or morphogenesis. Identifiers: MedGen C0694457, MONDO:0021147.
Intellectual disability. Also called: intellectual disabilities; Intellectual functioning disability; Intellectual developmental disorder. Identifiers: MedGen C3714756, MeSH D008607, MONDO:0001071, HP:0001249.

Allele frequency attached by ClinVar (database versions not stated): 1000 Genomes Project 30x 0.00141; 1000 Genomes Project 0.00180; TOPMed 0.00257; gnomAD 0.00284 and 0.00291; ESP Exome Variant Server 0.00300; gnomAD exomes 0.00343 and 0.00397; ExAC 0.00347.

Submissions (6):

CeGaT Center for Human Genetics Tuebingen
Classification: Likely benign. Last evaluated: 2026-07-01. Review status: criteria provided, single submitter. Criteria: CeGaT Center For Human Genetics Tuebingen Variant Classification Criteria Version 2. Collection method: clinical testing. Allele origin: germline. Affected: yes. Observed: 14 variant alleles.
Comment: ATAD3A: BS2

Women's Health and Genetics/Laboratory Corporation of America, LabCorp
Classification: Likely benign. Last evaluated: 2026-01-27. Review status: criteria provided, single submitter. Criteria: LabCorp Variant Classification Summary - May 2015. Collection method: clinical testing. Allele origin: germline.

Ambry Genetics
Classification: Likely benign for Inborn genetic diseases. Last evaluated: 2023-12-29. Review status: criteria provided, single submitter. Criteria: Ambry Variant Classification Scheme 2023. Collection method: clinical testing. Allele origin: germline.

Cambridge Genomics Laboratory, East Genomic Laboratory Hub, NHS Genomic Medicine Service
Classification: Uncertain significance for Intellectual disability. Last evaluated: 2020-05-14. Review status: criteria provided, single submitter. Criteria: ACGS Best Practice Guidelines for Variant Classification in Rare Disease 2020. Collection method: clinical testing. Allele origin: germline. Affected: yes. Observed: 1 variant allele.

Cambridge Genomics Laboratory, East Genomic Laboratory Hub, NHS Genomic Medicine Service
Classification: Uncertain significance for Disorder of development or morphogenesis. Last evaluated: 2020-03-20. Review status: criteria provided, single submitter. Criteria: ACGS Best Practice Guidelines for Variant Classification in Rare Disease 2020. Collection method: clinical testing. Allele origin: germline. Affected: yes. Observed: 1 variant allele.

Breakthrough Genomics
Classification: Likely benign. Review status: criteria provided, single submitter. Criteria: ACMG Guidelines, 2015. Collection method: not provided. Allele origin: germline. Inheritance: Autosomal recessive inheritance. Affected: yes.